The following is an entry in ClinVar:

NM_000059.4(BRCA2):c.10199G>A (p.Ser3400Asn)

Gene: BRCA2 (BRCA2 DNA repair associated; plus strand). Cytogenetic location: 13q13.1.
Variant type: single nucleotide variant.
Coding change: c.10199G>A on transcript NM_000059.4 (MANE Select); coding-DNA position 10199, G replaced by A.
Protein change: p.Ser3400Asn; replaces serine 3400 with asparagine.
Molecular consequence: missense variant.
Genome position (GRCh38, 1-based): chr13:32,398,712, G>A. VCF-style: chr13-32398712-G-A. GRCh37 (hg19) VCF-style: chr13-32972849-G-A.
Other names: short protein forms S3400N.
Identifiers: ClinVar variation 840813 (VCV000840813.12), dbSNP rs763642189, ClinGen allele CA6941480.

ClinVar aggregate classification (germline): Conflicting classifications of pathogenicity. Review status: criteria provided, conflicting classifications (1 of 4 stars). 3 submissions from 3 submitters: Uncertain significance (2); Likely benign (1). Last evaluated 2025-05-15.

Conditions:
Hereditary breast ovarian cancer syndrome. Also called: Hereditary breast and ovarian cancer syndrome (HBOC); Hereditary breast and ovarian cancer; Hereditary breast and/or ovarian cancer syndrome; Hereditary breast and ovarian cancer syndrome; Breast and ovarian cancer; BRCA1- and BRCA2-Associated Hereditary Breast and Ovarian Cancer. Identifiers: Orphanet 145, MedGen C0677776, MeSH D061325, MONDO:0003582. Disease mechanism: loss of function.
Hereditary cancer-predisposing syndrome. Also called: Neoplastic Syndromes, Hereditary; Tumor predisposition; Hereditary neoplastic syndrome; Hereditary Cancer Syndrome. Identifiers: Orphanet 140162, MedGen C0027672, MeSH D009386, MONDO:0015356.

Allele frequency attached by ClinVar (database versions not stated): gnomAD exomes below 0.00001; TOPMed below 0.00001; ExAC 0.00001.
gnomAD v4.1: 1 of 1,613,976 alleles (0.000062%); highest among the groups gnomAD compares: Non-Finnish European, 0.000085%; no homozygotes.

Submissions (3):

Labcorp Genetics (formerly Invitae), Labcorp
Classification: Uncertain significance for Hereditary breast ovarian cancer syndrome. Last evaluated: 2025-05-15. Review status: criteria provided, single submitter. Criteria: Invitae Variant Classification Sherloc (09022015). Collection method: clinical testing. Allele origin: germline.
Comment: This sequence change replaces serine, which is neutral and polar, with asparagine, which is neutral and polar, at codon 3400 of the BRCA2 protein (p.Ser3400Asn). This variant is present in population databases (rs763642189, gnomAD 0.0009%). This variant has not been reported in the literature in individuals affected with BRCA2-related conditions. ClinVar contains an entry for this variant (Variation ID: 840813). Invitae Evidence Modeling of protein sequence and biophysical properties (such as structural, functional, and spatial information, amino acid conservation, physicochemical variation, residue mobility, and thermodynamic stability) indicates that this missense variant is not expected to disrupt BRCA2 protein function with a negative predictive value of 95%. In summary, the available evidence is currently insufficient to determine the role of this variant in disease. Therefore, it has been classified as a Variant of Uncertain Significance.

Color Diagnostics, LLC DBA Color Health
Classification: Uncertain significance for Hereditary cancer-predisposing syndrome. Last evaluated: 2024-06-14. Review status: criteria provided, single submitter. Criteria: ACMG Guidelines, 2015. Collection method: clinical testing. Allele origin: germline.
Comment: This missense variant replaces serine with asparagine at codon 3400 of the BRCA2 protein. Computational prediction suggests that this variant may not impact protein structure and function (internally defined REVEL score threshold <= 0.5, PMID: 27666373). To our knowledge, functional studies have not been reported for this variant. In a large breast cancer case-control study conducted by the BRIDGES consortium, this variant was reported in 1/60466 cases and 2/53461 unaffected controls, showing inconclusive association with disease (OR=0.442 (95%CI 0.04 to 4.876); p-value=0.603; Leiden Open Variation Database DB-ID BRCA2_008826) (PMID: 33471991). This variant has been identified in 1/250934 chromosomes in the general population by the Genome Aggregation Database (gnomAD). The available evidence is insufficient to determine the role of this variant in disease conclusively. Therefore, this variant is classified as a Variant of Uncertain Significance.

Ambry Genetics
Classification: Likely benign for Hereditary cancer-predisposing syndrome. Last evaluated: 2024-05-16. Review status: criteria provided, single submitter. Criteria: Ambry Variant Classification Scheme 2023. Collection method: clinical testing. Allele origin: germline.

Literature cited by the submitters: PubMed 33471991 (cited by Color Diagnostics, LLC DBA Color Health).